The following is an entry in ClinVar:

ClinVar aggregate classification (germline): Uncertain significance. Review status: criteria provided, multiple submitters, no conflicts (2 of 4 stars). 2 submissions from 2 submitters: Uncertain significance (2). Last evaluated 2024-04-10.

Conditions:
Familial thoracic aortic aneurysm and aortic dissection (TAAD). Also called: Thoracic aortic aneurysms and dissections. Identifiers: Orphanet 91387, MedGen C4707243, MONDO:0019625.

Allele frequency attached by ClinVar (database versions not stated): ExAC 0.00001; gnomAD 0.00002; TOPMed 0.00002; ESP Exome Variant Server 0.00008.
gnomAD v4.1: 7 of 1,612,700 alleles (0.00043%); highest among the groups gnomAD compares: African/African-American, 0.0053%; no homozygotes.

Submissions (2):

GeneDx
Classification: Uncertain significance. Last evaluated: 2024-04-10. Review status: criteria provided, single submitter. Criteria: GeneDx Variant Classification Process June 2021. Collection method: clinical testing. Allele origin: germline. Affected: yes.
Comment: Has not been previously published as pathogenic or benign to our knowledge; Not observed at significant frequency in large population cohorts (gnomAD); In silico analysis indicates that this missense variant does not alter protein structure/function

Ambry Genetics
Classification: Uncertain significance for Familial thoracic aortic aneurysm and aortic dissection. Last evaluated: 2022-04-03. Review status: criteria provided, single submitter. Criteria: Ambry Variant Classification Scheme 2023. Collection method: clinical testing. Allele origin: germline.
Comment: The p.P2334H variant (also known as c.7001C>A), located in coding exon 34 of the NOTCH1 gene, results from a C to A substitution at nucleotide position 7001. The proline at codon 2334 is replaced by histidine, an amino acid with similar properties. This amino acid position is conserved. In addition, this alteration is predicted to be tolerated by in silico analysis. Since supporting evidence is limited at this time, the clinical significance of this alteration remains unclear.

NM_017617.5(NOTCH1):c.7001C>A (p.Pro2334His)

Gene: NOTCH1 (notch receptor 1; minus strand). Cytogenetic location: 9q34.3.
Variant type: single nucleotide variant.
Coding change: c.7001C>A on transcript NM_017617.5 (MANE Select); coding-DNA position 7001, C replaced by A.
Protein change: p.Pro2334His; replaces proline 2334 with histidine.
Molecular consequence: missense variant.
Genome position (GRCh38, 1-based): chr9:136,496,738, G>T on the plus strand (C>A on the coding strand, the complement: NOTCH1 is on the minus strand). VCF-style: chr9-136496738-G-T. GRCh37 (hg19) VCF-style: chr9-139391190-G-T.
Other names: short protein forms P2334H.
Identifiers: ClinVar variation 1756645 (VCV001756645.3), dbSNP rs370135470, ClinGen allele CA5339768.